The following is an entry in ClinVar:

NM_001943.5(DSG2):c.497G>A (p.Gly166Glu)

Gene: DSG2 (desmoglein 2; plus strand). Cytogenetic location: 18q12.1.
Variant type: single nucleotide variant.
Coding change: c.497G>A on transcript NM_001943.5 (MANE Select); coding-DNA position 497, G replaced by A.
Protein change: p.Gly166Glu; replaces glycine 166 with glutamic acid.
Molecular consequence: missense variant.
Genome position (GRCh38, 1-based): chr18:31,521,217, G>A. VCF-style: chr18-31521217-G-A. GRCh37 (hg19) VCF-style: chr18-29101180-G-A.
Other names: short protein forms G166E.
Identifiers: ClinVar variation 4870112 (VCV004870112.1).

ClinVar aggregate classification (germline): Uncertain significance (1 of 4 stars; one submission).

Conditions:
Cardiovascular phenotype. Identifiers: MedGen CN230736.

Submission:

Ambry Genetics
Classification: Uncertain significance for Cardiovascular phenotype. Last evaluated: 2026-05-20. Review status: criteria provided, single submitter. Criteria: Ambry Variant Classification Scheme 2023. Collection method: clinical testing. Allele origin: germline.
Comment: The p.G166E variant (also known as c.497G>A), located in coding exon 5 of the DSG2 gene, results from a G to A substitution at nucleotide position 497. The glycine at codon 166 is replaced by glutamic acid, an amino acid with similar properties. This amino acid position is conserved. In addition, this alteration is predicted to be deleterious by in silico analysis. Based on the available evidence, the clinical significance of this variant remains unclear.